The following is an entry in ClinVar:

NM_000061.3(BTK):c.463T>G (p.Cys155Gly)

Gene: BTK (Bruton tyrosine kinase; minus strand). Cytogenetic location: Xq22.1.
Variant type: single nucleotide variant.
Coding change: c.463T>G on transcript NM_000061.3 (MANE Select); coding-DNA position 463, T replaced by G.
Protein change: p.Cys155Gly; replaces cysteine 155 with glycine.
Molecular consequence: missense variant.
Genome position (GRCh38, 1-based): chrX:101,362,618, A>C on the plus strand (T>G on the coding strand, the complement: BTK is on the minus strand). VCF-style: chrX-101362618-A-C. GRCh37 (hg19) VCF-style: chrX-100617606-A-C.
Other names: c.565T>G, p.Cys189Gly (NM_001287344.2); c.463T>G, p.Cys155Gly (NM_001287345.2); short protein forms C155G, C189G.
Identifiers: ClinVar variation 3241994 (VCV003241994.1), dbSNP rs2520611258.

ClinVar aggregate classification (germline): Likely pathogenic (1 of 4 stars; one submission).

Conditions:
X-linked agammaglobulinemia (XLA). Also called: Bruton's agammaglobulinemia; AGAMMAGLOBULINEMIA, X-LINKED, TYPE 1; Agammaglobulinemia, Bruton tyrosine kinase; Agammaglobulinemia, BTK; BTK-deficiency; IMMUNODEFICIENCY 1. Identifiers: Orphanet 229717, Orphanet 47, MedGen C0221026, MONDO:0010421, OMIM 300755.

Submission:

Neuberg Centre For Genomic Medicine, NCGM
Classification: Likely pathogenic for X-linked agammaglobulinemia. Review status: criteria provided, single submitter. Criteria: ACMG Guidelines, 2015. Collection method: clinical testing. Allele origin: germline. Inheritance: X-linked recessive inheritance. Affected: yes.
Comment: The observed missense c.463T>G(p.Cys155Gly) variant in BTK gene has been reported previously in individual(s) affected with X-linked agammaglobulinemia (Agrebi N, et al., 2021). The p.Cys155Gly variant is absent in gnomAD Exomes. This variant has not been submitted to the ClinVar database. The amino acid change p.Cys155Gly in BTK is predicted as conserved by GERP++ and PhyloP across 100 vertebrates. The amino acid Cys at position 155 is changed to a Gly changing protein sequence and it might alter its composition and physico-chemical properties. For these reasons, this variant has been classified as a Variant of Uncertain Significance (VUS).